The following is an entry in ClinVar:

ClinVar aggregate classification (germline): Conflicting classifications of pathogenicity. Review status: criteria provided, conflicting classifications (1 of 4 stars). 4 submissions from 3 submitters: Uncertain significance (3); Likely benign (1). Last evaluated 2024-12-09.

Conditions:
Inborn genetic diseases. Identifiers: MedGen C0950123, MeSH D030342.
Amyotrophic lateral sclerosis type 4 (ALS4). Also called: NEURONOPATHY, DISTAL HEREDITARY MOTOR, WITH PYRAMIDAL FEATURES; AMYOTROPHIC LATERAL SCLEROSIS 4, JUVENILE. Identifiers: Orphanet 357043, MedGen C1865409, MONDO:0011223, OMIM 602433.
Spinocerebellar ataxia, autosomal recessive, with axonal neuropathy 2 (SCAN2). Also called: Ataxia-ocular apraxia-2; Ataxia with Oculomotor Apraxia Type 2; Ataxia with Oculomotor Apraxia; ATAXIA-OCULOMOTOR APRAXIA 2. Identifiers: Orphanet 64753, MedGen C1853761, MONDO:0018996, OMIM 606002.

gnomAD v4.1: 7 of 1,613,978 alleles (0.00043%); highest among the groups gnomAD compares: Non-Finnish European, 0.00059%; no homozygotes.

Submissions (4):

Labcorp Genetics (formerly Invitae), Labcorp
Classification: Likely benign for Amyotrophic lateral sclerosis type 4; Spinocerebellar ataxia, autosomal recessive, with axonal neuropathy 2. Last evaluated: 2024-12-09. Review status: criteria provided, single submitter. Criteria: Invitae Variant Classification Sherloc (09022015). Collection method: clinical testing. Allele origin: germline.

Genome-Nilou Lab
Classification: Uncertain significance for Spinocerebellar ataxia, autosomal recessive, with axonal neuropathy 2. Last evaluated: 2023-02-08. Review status: criteria provided, single submitter. Criteria: ACMG Guidelines, 2015. Collection method: clinical testing. Allele origin: germline.

Genome-Nilou Lab
Classification: Uncertain significance for Amyotrophic lateral sclerosis type 4. Last evaluated: 2023-02-08. Review status: criteria provided, single submitter. Criteria: ACMG Guidelines, 2015. Collection method: clinical testing. Allele origin: germline.

Ambry Genetics
Classification: Uncertain significance for Inborn genetic diseases. Last evaluated: 2021-02-02. Review status: criteria provided, single submitter. Criteria: Ambry Variant Classification Scheme 2023. Collection method: clinical testing. Allele origin: germline.
Comment: The p.Y1126D variant (also known as c.3376T>G), located in coding exon 8 of the SETX gene, results from a T to G substitution at nucleotide position 3376. The tyrosine at codon 1126 is replaced by aspartic acid, an amino acid with highly dissimilar properties. This amino acid position is not well conserved in available vertebrate species, and aspartic acid is the reference amino acid in other vertebrate species. In addition, this alteration is predicted to be tolerated by in silico analysis. Since supporting evidence is limited at this time, the clinical significance of this alteration remains unclear.

NM_015046.7(SETX):c.3376T>G (p.Tyr1126Asp)

Gene: SETX (senataxin; minus strand). Cytogenetic location: 9q34.13.
Variant type: single nucleotide variant.
Coding change: c.3376T>G on transcript NM_015046.7 (MANE Select); coding-DNA position 3376, T replaced by G.
Protein change: p.Tyr1126Asp; replaces tyrosine 1126 with aspartic acid.
Molecular consequence: missense variant.
Genome position (GRCh38, 1-based): chr9:132,328,222, A>C on the plus strand (T>G on the coding strand, the complement: SETX is on the minus strand). VCF-style: chr9-132328222-A-C. GRCh37 (hg19) VCF-style: chr9-135203609-A-C.
Other names: c.3376T>G, p.Tyr1126Asp (NM_001351527.2, NM_001351528.2); short protein forms Y1126D.
Identifiers: ClinVar variation 1510332 (VCV001510332.10), dbSNP rs907569728, ClinGen allele CA200811367.